The following is an entry in ClinVar:

NM_003001.5(SDHC):c.431A>T (p.Lys144Met)

Gene: SDHC (succinate dehydrogenase complex subunit C; plus strand). Cytogenetic location: 1q23.3.
Variant type: single nucleotide variant.
Coding change: c.431A>T on transcript NM_003001.5 (MANE Select); coding-DNA position 431, A replaced by T.
Protein change: p.Lys144Met; replaces lysine 144 with methionine.
Molecular consequence: missense variant. On other transcripts: non-coding transcript variant (1).
Genome position (GRCh38, 1-based): chr1:161,362,354, A>T. VCF-style: chr1-161362354-A-T. GRCh37 (hg19) VCF-style: chr1-161332144-A-T.
Other names: c.267A>T, p.Glu89Asp (NM_001035511.3); c.329A>T, p.Lys110Met (NM_001035512.3); c.272A>T, p.Lys91Met (NM_001035513.3); c.165A>T, p.Glu55Asp (NM_001278172.3); c.551A>T, p.Lys184Met (NM_001407115.1); c.374A>T, p.Lys125Met (NM_001407116.1); c.368A>T, p.Lys123Met (NM_001407117.1); c.323A>T, p.Lys108Met (NM_001407118.1); and 2 more; short protein forms E89D, K184M, E55D, E70D, K110M, K107M, K123M, K91M.
Identifiers: ClinVar variation 4548136 (VCV004548136.1).

ClinVar aggregate classification (germline): Uncertain significance (1 of 4 stars; one submission).

Conditions:
Hereditary cancer-predisposing syndrome. Also called: Tumor predisposition; Hereditary Cancer Syndrome; Hereditary neoplastic syndrome; Neoplastic Syndromes, Hereditary. Identifiers: Orphanet 140162, MedGen C0027672, MeSH D009386, MONDO:0015356.

Submission:

Ambry Genetics
Classification: Uncertain significance for Hereditary cancer-predisposing syndrome. Last evaluated: 2025-11-07. Review status: criteria provided, single submitter. Criteria: Ambry Variant Classification Scheme 2023. Collection method: clinical testing. Allele origin: germline.
Comment: The p.K144M variant (also known as c.431A>T), located in coding exon 6 of the SDHC gene, results from an A to T substitution at nucleotide position 431. The lysine at codon 144 is replaced by methionine, an amino acid with similar properties. This amino acid position is conserved. In addition, this alteration is predicted to be deleterious by in silico analysis. Based on the available evidence, the clinical significance of this variant remains unclear.